The following is an entry in ClinVar:

ClinVar aggregate classification (germline): Conflicting classifications of pathogenicity. Review status: criteria provided, conflicting classifications (1 of 4 stars). 5 submissions from 5 submitters: Uncertain significance (1); Likely benign (4). Last evaluated 2026-02-27.

Conditions:
FBXL4-related disorder. Also called: FBXL4-related condition.
Mitochondrial DNA depletion syndrome 13. Also called: Mitochondrial DNA depletion syndrome 13 (encephalomyopathic type); FBXL4-Related Encephalomyopathic Mitochondrial DNA Depletion Syndrome. Identifiers: Orphanet 369897, MedGen C3809592, MONDO:0014198, OMIM 615471.

Allele frequency attached by ClinVar (database versions not stated): ESP Exome Variant Server 0.00008; gnomAD 0.00008 and 0.00011; gnomAD exomes 0.00012 and 0.00024; TOPMed 0.00015; ExAC 0.00026; 1000 Genomes Project 30x 0.00031.
gnomAD v4.1: 197 of 1,614,062 alleles (0.012%); highest among the groups gnomAD compares: South Asian, 0.15%; no homozygotes.

Submissions (5):

PreventionGenetics, part of Exact Sciences
Classification: Likely benign for FBXL4-related condition. Last evaluated: 2026-02-27. Review status: criteria provided, single submitter. Criteria: ACMG Guidelines, 2015. Collection method: clinical testing. Allele origin: germline.
Comment: This variant is classified as likely benign based on ACMG/AMP sequence variant interpretation guidelines (Richards et al. 2015 PMID: 25741868, with internal and published modifications).

Labcorp Genetics (formerly Invitae), Labcorp
Classification: Likely benign. Last evaluated: 2026-01-12. Review status: criteria provided, single submitter. Criteria: Invitae Variant Classification Sherloc (09022015). Collection method: clinical testing. Allele origin: germline.

Blueprint Genetics
Classification: Likely benign. Last evaluated: 2024-11-06. Review status: criteria provided, single submitter. Criteria: ACMG Guidelines, 2015. Collection method: clinical testing. Allele origin: germline.

GeneDx
Classification: Likely benign. Last evaluated: 2018-06-11. Review status: criteria provided, single submitter. Criteria: GeneDx Variant Classification (06012015). Collection method: clinical testing. Allele origin: germline. Affected: yes.
Comment: This variant is considered likely benign or benign based on one or more of the following criteria: it is a conservative change, it occurs at a poorly conserved position in the protein, it is predicted to be benign by multiple in silico algorithms, and/or has population frequency not consistent with disease.

Wong Mito Lab, Molecular and Human Genetics, Baylor College of Medicine
Classification: Uncertain significance for Mitochondrial DNA depletion syndrome 13. Last evaluated: 2017-08-10. Review status: criteria provided, single submitter. Criteria: ACMG Guidelines, 2015. Collection method: reference population. Allele origin: germline.
Comment: The NM_012160.4:c.1566C>T (NP_036292.2:p.Thr522=) [GRCH38: NC_000006.12:g.98875551G>A] variant in FBXL4 gene is interpretated to be a Uncertain Significance - Conflicting Evidence based on ACMG guidelines (PMID: 25741868). This variant meets one or more of the following evidence codes reported in the ACMG-guideline. PM2:This variant is absent in key population databases. BP4:Computational evidence/predictors indicate no impact on the FBXL4 structure, function, or protein-protein interaction. BP7:The variant is silent with non predicted splice impact. Based on this evidence code ClinGen Pathogenicity Calculator (PMID:28081714) suggested that the variant is Uncertain Significance - Conflicting Evidence.

NM_001278716.2(FBXL4):c.1566C>T (p.Thr522=)

Gene: FBXL4 (F-box and leucine rich repeat protein 4; minus strand). Cytogenetic location: 6q16.1.
Variant type: single nucleotide variant.
Coding change: c.1566C>T on transcript NM_001278716.2 (MANE Select); coding-DNA position 1566, C replaced by T.
Protein change: p.Thr522=; no amino-acid change (threonine 522 retained).
Molecular consequence: synonymous variant. On other transcripts: non-coding transcript variant (1).
Genome position (GRCh38, 1-based): chr6:98,875,551, G>A on the plus strand (C>T on the coding strand, the complement: FBXL4 is on the minus strand). VCF-style: chr6-98875551-G-A. GRCh37 (hg19) VCF-style: chr6-99323427-G-A.
Other names: c.1566C>T, p.Thr522= (NM_012160.5).
Identifiers: ClinVar variation 437772 (VCV000437772.9), dbSNP rs149704398, ClinGen allele CA3933422.